The following is an entry in ClinVar:

ClinVar aggregate classification (germline): Uncertain significance (1 of 4 stars; one submission).

Allele frequency attached by ClinVar (database versions not stated): TOPMed below 0.00001.

Submission:

Ambry Genetics
Classification: Uncertain significance. Last evaluated: 2022-06-19. Review status: criteria provided, single submitter. Criteria: Ambry Variant Classification Scheme 2023. Collection method: clinical testing. Allele origin: germline.
Comment: The p.P232H variant (also known as c.695C>A), located in coding exon 4 of the TMPO gene, results from a C to A substitution at nucleotide position 695. The proline at codon 232 is replaced by histidine, an amino acid with similar properties. This amino acid position is conserved. In addition, this alteration is predicted to be tolerated by in silico analysis. Since supporting evidence is limited at this time, the clinical significance of this alteration remains unclear.

NM_001032283.3(TMPO):c.565+1114C>A

Gene: TMPO (thymopoietin; plus strand). Cytogenetic location: 12q23.1.
Variant type: single nucleotide variant.
Coding change: c.565+1114C>A on transcript NM_001032283.3 (MANE Select); 1114 bases into the intron after coding-DNA position 565, C replaced by A.
Molecular consequence: intron variant. On other transcripts: missense variant (1).
Genome position (GRCh38, 1-based): chr12:98,532,952, C>A. VCF-style: chr12-98532952-C-A. GRCh37 (hg19) VCF-style: chr12-98926730-C-A.
Other names: c.695C>A, p.Pro232His (NM_003276.2); c.565+1114C>A (NM_001307975.2, NM_001032284.3); short protein forms P232H.
Identifiers: ClinVar variation 1756312 (VCV001756312.2), dbSNP rs754944353, ClinGen allele CA386151612.